The following is an entry in ClinVar:

ClinVar aggregate classification (germline): Uncertain significance. Review status: criteria provided, multiple submitters, no conflicts (2 of 4 stars). 2 submissions from 2 submitters: Uncertain significance (2). Last evaluated 2022-12-12.

Conditions:
Polyglucosan body myopathy type 1 (PGBM1). Also called: Polyglucosan body myopathy 1 with or without immunodeficiency; POLYGLUCOSAN BODY MYOPATHY WITHOUT IMMUNODEFICIENCY. Identifiers: Orphanet 329173, Orphanet 397937, MedGen C4014605, MONDO:0014389, OMIM 615895.
Inborn genetic diseases. Identifiers: MedGen C0950123, MeSH D030342.

Allele frequency attached by ClinVar (database versions not stated): gnomAD exomes 0.00003; ExAC 0.00012.
gnomAD v4.1: 17 of 1,578,488 alleles (0.0011%); highest among the groups gnomAD compares: East Asian, 0.0093%; no homozygotes.

Submissions (2):

Ambry Genetics
Classification: Uncertain significance for Inborn genetic diseases. Last evaluated: 2022-12-12. Review status: criteria provided, single submitter. Criteria: Ambry Variant Classification Scheme 2023. Collection method: clinical testing. Allele origin: germline.

Labcorp Genetics (formerly Invitae), Labcorp
Classification: Uncertain significance for Polyglucosan body myopathy type 1. Last evaluated: 2022-10-18. Review status: criteria provided, single submitter. Criteria: Invitae Variant Classification Sherloc (09022015). Collection method: clinical testing. Allele origin: germline.
Comment: This sequence change replaces aspartic acid, which is acidic and polar, with glutamic acid, which is acidic and polar, at codon 233 of the RBCK1 protein (p.Asp233Glu). This variant is present in population databases (rs746724862, gnomAD 0.02%), including at least one homozygous and/or hemizygous individual. This variant has not been reported in the literature in individuals affected with RBCK1-related conditions. ClinVar contains an entry for this variant (Variation ID: 639908). Advanced modeling of protein sequence and biophysical properties (such as structural, functional, and spatial information, amino acid conservation, physicochemical variation, residue mobility, and thermodynamic stability) has been performed at Invitae for this missense variant, however the output from this modeling did not meet the statistical confidence thresholds required to predict the impact of this variant on RBCK1 protein function. In summary, the available evidence is currently insufficient to determine the role of this variant in disease. Therefore, it has been classified as a Variant of Uncertain Significance.

NM_031229.4(RBCK1):c.699C>G (p.Asp233Glu)

Gene: RBCK1 (RANBP2-type and C3HC4-type zinc finger containing 1; plus strand). Cytogenetic location: 20p13.
Variant type: single nucleotide variant.
Coding change: c.699C>G on transcript NM_031229.4 (MANE Select); coding-DNA position 699, C replaced by G.
Protein change: p.Asp233Glu; replaces aspartic acid 233 with glutamic acid.
Molecular consequence: missense variant. On other transcripts: non-coding transcript variant (1).
Genome position (GRCh38, 1-based): chr20:419,674, C>G. VCF-style: chr20-419674-C-G. GRCh37 (hg19) VCF-style: chr20-400318-C-G.
Other names: c.350C>G, p.Thr117Arg (NM_001323956.2, NM_001323958.2); c.573C>G, p.Asp191Glu (NM_006462.6); c.699C>G (NM_031229.2); short protein forms D191E, D233E, T117R.
Identifiers: ClinVar variation 639908 (VCV000639908.4), dbSNP rs746724862, ClinGen allele CA9723155.
Genomic context (GRCh38, chr20:419,674, plus strand): 5'-TGAGATGTGCTGCCGGGCGCGCCCCGAGGCCTACCAGGTCCCCGCCTCATACCAGCCCGA[C>G]GAGGAGGAGCGAGCGCGCCTGGCGGGCGAGGAGGAGGCGCTGCGTCAGTACCAGCAGGTG-3'
Protein context (NP_112506.2, residues 223-243): AYQVPASYQP[Asp233Glu]EEERARLAGE